The following is an entry in ClinVar:

ClinVar aggregate classification (germline): Likely pathogenic (1 of 4 stars; one submission).

Conditions:
Renal carnitine transport defect (CDSP). Also called: Primary carnitine deficiency; CARNITINE DEFICIENCY, SYSTEMIC, DUE TO DEFECT IN RENAL REABSORPTION OF CARNITINE; CARNITINE TRANSPORTER, PLASMA-MEMBRANE, DEFICIENCY OF; CARNITINE UPTAKE DEFECT; Carnitine Deficiency, Systemic; Systemic primary carnitine deficiency. Identifiers: Orphanet 158, MedGen C0342788, MONDO:0008919, OMIM 212140.

Allele frequency attached by ClinVar (database versions not stated): gnomAD exomes below 0.00001.
gnomAD v4.1: 1 of 1,613,360 alleles (0.000062%); highest among the groups gnomAD compares: Non-Finnish European, 0.000085%; no homozygotes.

Submission:

Labcorp Genetics (formerly Invitae), Labcorp
Classification: Likely pathogenic for Renal carnitine transport defect. Last evaluated: 2025-10-20. Review status: criteria provided, single submitter. Criteria: Invitae Variant Classification Sherloc (09022015). Collection method: clinical testing. Allele origin: germline.
Comment: This sequence change replaces serine, which is neutral and polar, with glycine, which is neutral and non-polar, at codon 26 of the SLC22A5 protein (p.Ser26Gly). This variant is not present in population databases (gnomAD no frequency). This variant has not been reported in the literature in individuals affected with SLC22A5-related conditions. ClinVar contains an entry for this variant (Variation ID: 944576). Invitae Evidence Modeling of protein sequence and biophysical properties (such as structural, functional, and spatial information, amino acid conservation, physicochemical variation, residue mobility, and thermodynamic stability) indicates that this missense variant is expected to disrupt SLC22A5 protein function with a positive predictive value of 95%. This variant disrupts the p.Ser26 amino acid residue in SLC22A5. Other variant(s) that disrupt this residue have been determined to be pathogenic (PMID: 21922592, 28841266). This suggests that this residue is clinically significant, and that variants that disrupt this residue are likely to be disease-causing. In summary, the currently available evidence indicates that the variant is pathogenic, but additional data are needed to prove that conclusively. Therefore, this variant has been classified as Likely Pathogenic.

Literature cited by the submitters: PubMed 21922592; PubMed 28841266.

NM_003060.4(SLC22A5):c.76A>G (p.Ser26Gly)

Gene: SLC22A5 (solute carrier family 22 member 5; plus strand). Cytogenetic location: 5q31.1.
Variant type: single nucleotide variant.
Coding change: c.76A>G on transcript NM_003060.4 (MANE Select); coding-DNA position 76, A replaced by G.
Protein change: p.Ser26Gly; replaces serine 26 with glycine.
Molecular consequence: missense variant.
Genome position (GRCh38, 1-based): chr5:132,370,048, A>G. VCF-style: chr5-132370048-A-G. GRCh37 (hg19) VCF-style: chr5-131705740-A-G.
Other names: c.76A>G, p.Ser26Gly (NM_001308122.2); short protein forms S26G.
Identifiers: ClinVar variation 944576 (VCV000944576.5), dbSNP rs1751828398, ClinGen allele CA360802331.
Genomic context (GRCh38, chr5:132,370,048, plus strand): 5'-GAGGTGACCGCCTTCCTGGGCGAGTGGGGGCCCTTCCAGCGCCTCATCTTCTTCCTGCTC[A>G]GCGCCAGCATCATCCCCAATGGCTTCACCGGCCTGTCCTCCGTGTTCCTGATAGCGACCC-3'
Protein context (NP_003051.1, residues 16-36): PFQRLIFFLL[Ser26Gly]ASIIPNGFTG